The following is an entry in ClinVar:

ClinVar aggregate classification (germline): Uncertain significance. Review status: criteria provided, multiple submitters, no conflicts (2 of 4 stars). 5 submissions from 5 submitters: Uncertain significance (4). 1 of the submissions does not count toward it. Last evaluated 2025-09-01.

Conditions:
Inborn genetic diseases. Identifiers: MedGen C0950123, MeSH D030342.
Short-rib thoracic dysplasia 10 with or without polydactyly (SRTD10). Identifiers: Orphanet 474, MedGen C3810175, MONDO:0014284, OMIM 615630.
Bardet-Biedl syndrome 20. Identifiers: MedGen C4310707, MONDO:0023670, OMIM 619471, MONDO:0014926.
Retinitis pigmentosa 71 (RP71). Identifiers: Orphanet 791, MedGen C4225342, MONDO:0014618, OMIM 616394.
IFT172-related disorder. Also called: IFT172-related disorders; IFT172-related condition.

Allele frequency attached by ClinVar (database versions not stated): gnomAD exomes below 0.00001 and 0.00002; ExAC 0.00002; gnomAD 0.00002; TOPMed 0.00004.
gnomAD v4.1: 25 of 1,614,092 alleles (0.0015%); highest among the groups gnomAD compares: East Asian, 0.013%; no homozygotes.

Submissions (5):

Ambry Genetics
Classification: Uncertain significance for Inborn genetic diseases. Last evaluated: 2025-09-01. Review status: criteria provided, single submitter. Criteria: Ambry Variant Classification Scheme 2023. Collection method: clinical testing. Allele origin: germline.

Labcorp Genetics (formerly Invitae), Labcorp
Classification: Uncertain significance for Retinitis pigmentosa 71; Short-rib thoracic dysplasia 10 with or without polydactyly. Last evaluated: 2024-05-21. Review status: criteria provided, single submitter. Criteria: Invitae Variant Classification Sherloc (09022015). Collection method: clinical testing. Allele origin: germline.
Comment: This sequence change replaces isoleucine, which is neutral and non-polar, with threonine, which is neutral and polar, at codon 666 of the IFT172 protein (p.Ile666Thr). This variant is present in population databases (rs777173046, gnomAD 0.007%). This variant has not been reported in the literature in individuals affected with IFT172-related conditions. ClinVar contains an entry for this variant (Variation ID: 946710). Advanced modeling of protein sequence and biophysical properties (such as structural, functional, and spatial information, amino acid conservation, physicochemical variation, residue mobility, and thermodynamic stability) performed at Invitae indicates that this missense variant is not expected to disrupt IFT172 protein function with a negative predictive value of 80%. In summary, the available evidence is currently insufficient to determine the role of this variant in disease. Therefore, it has been classified as a Variant of Uncertain Significance.

Fulgent Genetics
Classification: Uncertain significance for Short-rib thoracic dysplasia 10 with or without polydactyly; Retinitis pigmentosa 71; Bardet-Biedl syndrome 20. Last evaluated: 2024-03-08. Review status: criteria provided, single submitter. Criteria: ACMG Guidelines, 2015. Collection method: clinical testing. Allele origin: germline.

Blueprint Genetics
Classification: Uncertain significance. Last evaluated: 2022-09-02. Review status: criteria provided, single submitter. Criteria: ACMG Guidelines, 2015. Collection method: clinical testing. Allele origin: germline.

PreventionGenetics, part of Exact Sciences
Classification: Uncertain significance for IFT172-related condition. Last evaluated: 2024-06-17. Review status: no assertion criteria provided. Collection method: clinical testing. Allele origin: germline. Not counted in ClinVar's aggregate classification.
Comment: The IFT172 c.1997T>C variant is predicted to result in the amino acid substitution p.Ile666Thr. To our knowledge, this variant has not been reported in the literature. This variant is reported in 0.008% of alleles in individuals of African descent in gnomAD. At this time, the clinical significance of this variant is uncertain due to the absence of conclusive functional and genetic evidence.

NM_015662.3(IFT172):c.1997T>C (p.Ile666Thr)

Gene: IFT172 (intraflagellar transport 172; minus strand). Cytogenetic location: 2p23.3.
Variant type: single nucleotide variant.
Coding change: c.1997T>C on transcript NM_015662.3 (MANE Select); coding-DNA position 1997, T replaced by C.
Protein change: p.Ile666Thr; replaces isoleucine 666 with threonine.
Molecular consequence: missense variant.
Genome position (GRCh38, 1-based): chr2:27,463,122, A>G on the plus strand (T>C on the coding strand, the complement: IFT172 is on the minus strand). VCF-style: chr2-27463122-A-G. GRCh37 (hg19) VCF-style: chr2-27685989-A-G.
Other names: c.1997T>C (NM_015662.1); short protein forms I666T.
Identifiers: ClinVar variation 946710 (VCV000946710.14), dbSNP rs777173046, ClinGen allele CA1580463.